The following is an entry in ClinVar:

ClinVar aggregate classification (germline): Uncertain significance. Review status: criteria provided, multiple submitters, no conflicts (2 of 4 stars). 2 submissions from 2 submitters: Uncertain significance (2). Last evaluated 2025-11-24.

Conditions:
Cardiovascular phenotype. Identifiers: MedGen CN230736.
Primary familial hypertrophic cardiomyopathy (HCM). Identifiers: Orphanet 99739, MedGen C0949658, MeSH D024741, MONDO:0024573. Inheritance: Various modes of inheritance.

Allele frequency attached by ClinVar (database versions not stated): TOPMed below 0.00001; ExAC 0.00001; gnomAD exomes 0.00001.
gnomAD v4.1: 21 of 1,614,138 alleles (0.0013%); highest among the groups gnomAD compares: South Asian, 0.0044%; no homozygotes.

Submissions (2):

Petrovsky National Research Centre of Surgery, The Federal Agency for Scientific Organizations
Classification: Uncertain significance for Primary familial hypertrophic cardiomyopathy. Last evaluated: 2025-11-24. Review status: criteria provided, single submitter. Criteria: ACMG Guidelines, 2015. Collection method: clinical testing. Allele origin: germline. Affected: yes. Observed: 1 variant allele.
Comment: The variant is in The Genome Aggregation Database (gnomAD) v4.1.0 with total 0.00001301. (Date of access 2025-11-24). In accordance with ACMG (2015) criteria this variant is classified as Uncertain significance with following criteria selected: PM2, BP4.

Ambry Genetics
Classification: Uncertain significance for Cardiovascular phenotype. Last evaluated: 2024-09-20. Review status: criteria provided, single submitter. Criteria: Ambry Variant Classification Scheme 2023. Collection method: clinical testing. Allele origin: germline.
Comment: The p.A992T variant (also known as c.2974G>A), located in coding exon 21 of the MYH6 gene, results from a G to A substitution at nucleotide position 2974. The alanine at codon 992 is replaced by threonine, an amino acid with similar properties. This amino acid position is well conserved in available vertebrate species. In addition, this alteration is predicted to be tolerated by in silico analysis. Based on the available evidence, the clinical significance of this variant remains unclear.

Literature cited by the submitters: PubMed 31983221 (cited by Ambry Genetics).

NM_002471.4(MYH6):c.2974G>A (p.Ala992Thr)

Gene: MYH6 (myosin heavy chain 6; minus strand). Cytogenetic location: 14q11.2.
Variant type: single nucleotide variant.
Coding change: c.2974G>A on transcript NM_002471.4 (MANE Select); coding-DNA position 2974, G replaced by A.
Protein change: p.Ala992Thr; replaces alanine 992 with threonine.
Molecular consequence: missense variant.
Genome position (GRCh38, 1-based): chr14:23,393,473, C>T on the plus strand (G>A on the coding strand, the complement: MYH6 is on the minus strand). VCF-style: chr14-23393473-C-T. GRCh37 (hg19) VCF-style: chr14-23862682-C-T.
Other names: short protein forms A992T.
Identifiers: ClinVar variation 1798319 (VCV001798319.4), dbSNP rs779051645, ClinGen allele CA7115332.